The following is an entry in ClinVar:

NM_023110.3(FGFR1):c.880G>A (p.Glu294Lys)

Gene: FGFR1 (fibroblast growth factor receptor 1; minus strand). Cytogenetic location: 8p11.23.
Variant type: single nucleotide variant.
Coding change: c.880G>A on transcript NM_023110.3 (MANE Select); coding-DNA position 880, G replaced by A.
Protein change: p.Glu294Lys; replaces glutamic acid 294 with lysine.
Molecular consequence: missense variant.
Genome position (GRCh38, 1-based): chr8:38,424,565, C>T on the plus strand (G>A on the coding strand, the complement: FGFR1 is on the minus strand). VCF-style: chr8-38424565-C-T. GRCh37 (hg19) VCF-style: chr8-38282083-C-T.
Other names: c.880G>A, p.Glu294Lys (NM_001174063.2); c.856G>A, p.Glu286Lys (NM_001174064.2); c.874G>A, p.Glu292Lys (NM_001174065.2, NM_001354367.2, NM_001354369.2 and 1 more transcripts); c.613G>A, p.Glu205Lys (NM_001174066.2, NM_023105.3); c.973G>A, p.Glu325Lys (NM_001174067.2); c.607G>A, p.Glu203Lys (NM_001354368.2, NM_001354370.2, NM_023106.3); short protein forms E294K, E203K, E205K, E286K, E325K, E292K.
Identifiers: ClinVar variation 517665 (VCV000517665.5), dbSNP rs528376963, ClinGen allele CA4718630.

ClinVar aggregate classification (germline): Pathogenic/Likely pathogenic. Review status: criteria provided, multiple submitters, no conflicts (2 of 4 stars). 3 submissions from 3 submitters: Pathogenic (1); Likely pathogenic (2). Last evaluated 2025-07-31.

Conditions:
FGFR1-related disorder. Also called: FGFR1-related disorders; FGFR1-related condition. Identifiers: MedGen CN380097.
Holoprosencephaly sequence (HPE). Also called: Holoprosencephaly. Identifiers: Orphanet 2162, MedGen C0079541, MONDO:0016296, HP:0001360.

Allele frequency attached by ClinVar (database versions not stated): gnomAD exomes below 0.00001; ExAC 0.00001; gnomAD 0.00001 and 0.00003; 1000 Genomes Project 0.00020; 1000 Genomes Project 30x 0.00031.
gnomAD v4.1: 3 of 1,614,242 alleles (0.00019%); highest among the groups gnomAD compares: South Asian, 0.0011%; no homozygotes.

Submissions (3):

3billion
Classification: Likely pathogenic for FGFR1-related disorder. Last evaluated: 2025-07-31. Review status: criteria provided, single submitter. Criteria: ACMG Guidelines, 2015. Collection method: clinical testing. Allele origin: germline. Affected: yes.
Comment: The variant is observed at an extremely low frequency in the gnomAD v4.1.0 dataset (total allele frequency: <0.001%). Predicted Consequence/Location: Missense variant Functional studies provide moderate evidence of the variant having a damaging effect on the gene or gene product (PMID: 26931467). In silico tool predictions suggest damaging effect of the variant on gene or gene product [REVEL: 0.60 (>=0.6, sensitivity 0.68 and specificity 0.92); 3Cnet: 0.99 (> 0.75, sensitivity 0.96 and precision 0.92)]. The same nucleotide change resulting in the same amino acid change has been previously reported as pathogenic/likely pathogenic with strong evidence (ClinVar ID: VCV000517665 /PMID: 26931467). Therefore, this variant is classified as Likely pathogenic according to the recommendation of ACMG/AMP guideline.

GeneDx
Classification: Likely pathogenic. Last evaluated: 2024-09-12. Review status: criteria provided, single submitter. Criteria: GeneDx Variant Classification Process June 2021. Collection method: clinical testing. Allele origin: germline. Affected: yes.
Comment: Published functional studies demonstrate a damaging effect (PMID: 26931467); Not observed at significant frequency in large population cohorts (gnomAD); In silico analysis supports that this missense variant has a deleterious effect on protein structure/function; In silico analysis suggests this variant may impact gene splicing. In the absence of RNA/functional studies, the actual effect of this sequence change is unknown.; This variant is associated with the following publications: (PMID: 31589614, 29992659, 29770994, 26931467)

Muenke lab, National Institutes of Health
Classification: Pathogenic for Holoprosencephaly sequence. Last evaluated: 2018-03-08. Review status: criteria provided, single submitter. Criteria: Submitter's publication. Collection method: research. Allele origin: not applicable. Inheritance: Autosomal dominant inheritance.
Comment: Co-inherited FGF8 loss-of-function in two affected sibs.

Literature cited by the submitters: PubMed 26931467 (cited by 3billion).